The following is an entry in ClinVar:

NM_001042492.3(NF1):c.7882A>C (p.Lys2628Gln)

Gene: NF1 (neurofibromin 1; plus strand). Cytogenetic location: 17q11.2.
Variant type: single nucleotide variant.
Coding change: c.7882A>C on transcript NM_001042492.3 (MANE Select); coding-DNA position 7882, A replaced by C.
Protein change: p.Lys2628Gln; replaces lysine 2628 with glutamine.
Molecular consequence: missense variant.
Genome position (GRCh38, 1-based): chr17:31,357,281, A>C. VCF-style: chr17-31357281-A-C. GRCh37 (hg19) VCF-style: chr17-29684299-A-C.
Other names: c.7819A>C, p.Lys2607Gln (NM_000267.4); short protein forms K2628Q, K2607Q.
Identifiers: ClinVar variation 3879113 (VCV003879113.1).
Genomic context (GRCh38, chr17:31,357,281, plus strand): 5'-AGCCACAAAGTAAAAATGTTGTGTGTTTACTTTTTTGCATCTTGGCAGGCTACACTGGTA[A>C]AATATACCACAGATGAGTTTGATCAACGAATTCTTTATGAATACTTAGCAGAGGCCAGTG-3'
Protein context (NP_001035957.1, residues 2618-2638): LLLTVLATLV[Lys2628Gln]YTTDEFDQRI

ClinVar aggregate classification (germline): Uncertain significance (1 of 4 stars; one submission).

Conditions:
Cardiovascular phenotype. Identifiers: MedGen CN230736.
Hereditary cancer-predisposing syndrome. Also called: Tumor predisposition; Neoplastic Syndromes, Hereditary; Hereditary Cancer Syndrome; Hereditary neoplastic syndrome. Identifiers: Orphanet 140162, MedGen C0027672, MeSH D009386, MONDO:0015356.

Submission:

Ambry Genetics
Classification: Uncertain significance for Cardiovascular phenotype; Hereditary cancer-predisposing syndrome. Last evaluated: 2025-02-13. Review status: criteria provided, single submitter. Criteria: Ambry Variant Classification Scheme 2023. Collection method: clinical testing. Allele origin: germline.
Comment: The p.K2607Q variant (also known as c.7819A>C), located in coding exon 53 of the NF1 gene, results from an A to C substitution at nucleotide position 7819. The lysine at codon 2607 is replaced by glutamine, an amino acid with similar properties. This amino acid position is conserved. In addition, the in silico prediction for this alteration is inconclusive. Based on the available evidence, the clinical significance of this variant remains unclear.